The following is an entry in ClinVar:

NM_005236.3(ERCC4):c.2621C>T (p.Ala874Val)

Gene: ERCC4 (ERCC excision repair 4, endonuclease catalytic subunit; plus strand). Cytogenetic location: 16p13.12.
Variant type: single nucleotide variant.
Coding change: c.2621C>T on transcript NM_005236.3 (MANE Select); coding-DNA position 2621, C replaced by T.
Protein change: p.Ala874Val; replaces alanine 874 with valine.
Molecular consequence: missense variant.
Genome position (GRCh38, 1-based): chr16:13,948,217, C>T. VCF-style: chr16-13948217-C-T. GRCh37 (hg19) VCF-style: chr16-14042074-C-T.
Other names: short protein forms A874V.
Identifiers: ClinVar variation 938272 (VCV000938272.7), dbSNP rs766946690, ClinGen allele CA7910782.

ClinVar aggregate classification (germline): Uncertain significance (1 of 4 stars; one submission).

Conditions:
Fanconi anemia complementation group Q. Identifiers: Orphanet 84, MedGen C3808988, MONDO:0014108, OMIM 615272.
Xeroderma pigmentosum, group F (XPF). Also called: ERCC4-Related Xeroderma Pigmentosum; XERODERMA PIGMENTOSUM, COMPLEMENTATION GROUP F; XERODERMA PIGMENTOSUM VI; XP, GROUP F; XERODERMA PIGMENTOSUM, TYPE F; Xeroderma pigmentosum, type 6. Identifiers: MedGen C0268140, MONDO:0010215, OMIM 278760.
Cockayne syndrome. Identifiers: Orphanet 191, MedGen C0009207, MONDO:0016006.

Allele frequency attached by ClinVar (database versions not stated): TOPMed below 0.00001; ExAC 0.00002.
gnomAD v4.1: 4 of 1,614,152 alleles (0.00025%); highest among the groups gnomAD compares: Admixed American, 0.0033%; no homozygotes.

Submission:

Labcorp Genetics (formerly Invitae), Labcorp
Classification: Uncertain significance for Fanconi anemia complementation group Q; Xeroderma pigmentosum, group F; Cockayne syndrome. Last evaluated: 2020-05-29. Review status: criteria provided, single submitter. Criteria: Invitae Variant Classification Sherloc (09022015). Collection method: clinical testing. Allele origin: germline.
Comment: In summary, the available evidence is currently insufficient to determine the role of this variant in disease. Therefore, it has been classified as a Variant of Uncertain Significance. Algorithms developed to predict the effect of missense changes on protein structure and function output the following: SIFT: "Tolerated"; PolyPhen-2: "Benign"; Align-GVGD: "Class C0". The valine amino acid residue is found in multiple mammalian species, suggesting that this missense change does not adversely affect protein function. These predictions have not been confirmed by published functional studies and their clinical significance is uncertain. This variant has not been reported in the literature in individuals with ERCC4-related conditions. This variant is present in population databases (rs766946690, ExAC 0.009%). This sequence change replaces alanine with valine at codon 874 of the ERCC4 protein (p.Ala874Val). The alanine residue is moderately conserved and there is a small physicochemical difference between alanine and valine.